The following is an entry in ClinVar:

NM_006073.4(TRDN):c.167T>C (p.Leu56Pro)

Gene: TRDN (triadin; minus strand). Cytogenetic location: 6q22.31.
Variant type: single nucleotide variant.
Coding change: c.167T>C on transcript NM_006073.4 (MANE Select); coding-DNA position 167, T replaced by C.
Protein change: p.Leu56Pro; replaces leucine 56 with proline.
Molecular consequence: missense variant.
Genome position (GRCh38, 1-based): chr6:123,570,988, A>G on the plus strand (T>C on the coding strand, the complement: TRDN is on the minus strand). VCF-style: chr6-123570988-A-G. GRCh37 (hg19) VCF-style: chr6-123892133-A-G.
Other names: c.167T>C, p.Leu56Pro (NM_001251987.2, NM_001256020.2, NM_001256021.2 and 1 more transcripts); short protein forms L56P.
Identifiers: ClinVar variation 408740 (VCV000408740.55), dbSNP rs1060502116, ClinGen allele CA16612018.
Genomic context (GRCh38, chr6:123,570,988, plus strand): 5'-AAGTTTTTGTAATCCACTAAATCAAACATAACGATGGCAACAGCTGACCACGTGATTATC[A>G]GGGCAATGACCAGAAGCCAGGCTGCAGGGGAGCTGAACGTCGTCACTATGTCTTCTGTGA-3'
Protein context (NP_006064.2, residues 46-66): SPAAWLLVIA[Leu56Pro]IITWSAVAIV

ClinVar aggregate classification (germline): Conflicting classifications of pathogenicity. Review status: criteria provided, conflicting classifications (1 of 4 stars). 3 submissions from 3 submitters: Likely pathogenic (1); Uncertain significance (1). 1 of the submissions does not count toward it. Last evaluated 2024-03-07.

Conditions:
Catecholaminergic polymorphic ventricular tachycardia 5 (CARDAR). Also called: Ventricular tachycardia, catecholaminergic polymorphic, 5, with or without muscle weakness; CARDIAC ARRHYTHMIA SYNDROME, WITH OR WITHOUT SKELETAL MUSCLE WEAKNESS. Identifiers: Orphanet 3286, MedGen C3809536, MONDO:0014191, OMIM 615441.
Catecholaminergic polymorphic ventricular tachycardia 1. Also called: RYR2-Related Catecholaminergic Polymorphic Ventricular Tachycardia; VENTRICULAR TACHYCARDIA, CATECHOLAMINERGIC POLYMORPHIC, 1, WITH OR WITHOUT ATRIAL DYSFUNCTION AND/OR DILATED CARDIOMYOPATHY; VENTRICULAR TACHYCARDIA, STRESS-INDUCED POLYMORPHIC 1. Identifiers: Orphanet 3286, MedGen C1631597, MONDO:0011484, OMIM 604772.

Submissions (3):

Labcorp Genetics (formerly Invitae), Labcorp
Classification: Likely pathogenic for Catecholaminergic polymorphic ventricular tachycardia 1. Last evaluated: 2024-03-07. Review status: criteria provided, single submitter. Criteria: Invitae Variant Classification Sherloc (09022015). Collection method: clinical testing. Allele origin: germline.
Comment: This sequence change replaces leucine, which is neutral and non-polar, with proline, which is neutral and non-polar, at codon 56 of the TRDN protein (p.Leu56Pro). This variant is not present in population databases (gnomAD no frequency). This missense change has been observed in individuals with clinical features of triadin knockout syndrome (PMID: 31437535; Invitae). ClinVar contains an entry for this variant (Variation ID: 408740). Advanced modeling of protein sequence and biophysical properties (such as structural, functional, and spatial information, amino acid conservation, physicochemical variation, residue mobility, and thermodynamic stability) performed at Invitae indicates that this missense variant is expected to disrupt TRDN protein function with a positive predictive value of 80%. Experimental studies have shown that this missense change affects TRDN function (PMID: 31437535). In summary, the currently available evidence indicates that the variant is pathogenic, but additional data are needed to prove that conclusively. Therefore, this variant has been classified as Likely Pathogenic.

Stanford Center for Inherited Cardiovascular Disease, Stanford University
Classification: Uncertain significance. Last evaluated: 2017-08-28. Review status: criteria provided, single submitter. Criteria: ACMG Guidelines, 2015. Collection method: provider interpretation. Allele origin: germline.

OMIM
Classification: Pathogenic for CARDIAC ARRHYTHMIA SYNDROME WITH OR WITHOUT SKELETAL MUSCLE WEAKNESS. Last evaluated: 2021-09-16. Review status: no assertion criteria provided. Collection method: literature only. Allele origin: germline. Not counted in ClinVar's aggregate classification.

Literature cited by the submitters: PubMed 31437535 (cited by Labcorp Genetics (formerly Invitae), Labcorp and OMIM).